The following is an entry in ClinVar:

ClinVar aggregate classification (germline): Pathogenic. Review status: criteria provided, single submitter (1 of 4 stars). 2 submissions from 2 submitters: Pathogenic (1). 1 of the submissions does not count toward it. Last evaluated 2026-01-07.

Conditions:
Neurofibromatosis, type 1 (NF1). Also called: Peripheral type neurofibromatosis; VON RECKLINGHAUSEN DISEASE; Neurofibromatosis, type I; NEUROFIBROMATOSIS, TYPE I, SOMATIC. Identifiers: Orphanet 636, MedGen C0027831, MONDO:0018975, OMIM 162200. Disease mechanism: loss of function.

Submissions (2):

Labcorp Genetics (formerly Invitae), Labcorp
Classification: Pathogenic for Neurofibromatosis, type 1. Last evaluated: 2026-01-07. Review status: criteria provided, single submitter. Criteria: Invitae Variant Classification Sherloc (09022015). Collection method: clinical testing. Allele origin: germline.
Comment: This sequence change creates a premature translational stop signal (p.Leu1752Profs*9) in the NF1 gene. It is expected to result in an absent or disrupted protein product. Loss-of-function variants in NF1 are known to be pathogenic (PMID: 10712197, 23913538). This variant is not present in population databases (gnomAD no frequency). This variant has not been reported in the literature in individuals affected with NF1-related conditions. ClinVar contains an entry for this variant (Variation ID: 492885). For these reasons, this variant has been classified as Pathogenic.

Clinical Molecular Genetics Laboratory, Johns Hopkins All Children's Hospital
Classification: Pathogenic for Neurofibromatosis, type 1. Last evaluated: 2014-12-23. Review status: no assertion criteria provided. Collection method: clinical testing. Allele origin: germline. Affected: yes. Not counted in ClinVar's aggregate classification.

Literature cited by the submitters: PubMed 10712197 (cited by Labcorp Genetics (formerly Invitae), Labcorp); PubMed 23913538 (cited by Labcorp Genetics (formerly Invitae), Labcorp).

NM_001042492.3(NF1):c.5317dup (p.Leu1773fs)

Gene: NF1 (neurofibromin 1; plus strand). Cytogenetic location: 17q11.2.
Variant type: Duplication.
Coding change: c.5317dup on transcript NM_001042492.3 (MANE Select); coding-DNA position 5317, one base duplicated (C; older notation c.5317dupC).
Protein change: p.Leu1773fs; shifts the reading frame from leucine 1773.
Molecular consequence: frameshift variant.
Genome position (GRCh38, 1-based): chr17:31,327,547, C duplicated; the last of 2 consecutive C bases (chr17:31,327,546-31,327,547); duplicating either gives the same sequence. VCF-style (leftmost placement, unchanged base first): chr17-31327545-T-TC. GRCh37 (hg19) VCF-style: chr17-29654563-T-TC.
Other names: c.5254dup, p.Leu1752Profs (NM_000267.4); c.5317dupC (NM_001042492.2); short protein forms L1752fs, L1773fs.
Identifiers: ClinVar variation 492885 (VCV000492885.2), dbSNP rs1555533561, ClinGen allele CA658684013.